The following is an entry in ClinVar:

ClinVar aggregate classification (germline): Uncertain significance (1 of 4 stars; one submission).

Conditions:
POU1F1-related disorder. Also called: POU1F1-related condition.

Allele frequency attached by ClinVar (database versions not stated): TOPMed below 0.00001; ExAC 0.00001; gnomAD exomes 0.00002.
gnomAD v4.1: 24 of 1,614,032 alleles (0.0015%); highest among the groups gnomAD compares: Non-Finnish European, 0.0019%; no homozygotes.

Submission:

PreventionGenetics, part of Exact Sciences
Classification: Uncertain significance for POU1F1-related condition. Last evaluated: 2023-03-23. Review status: criteria provided, single submitter. Criteria: ACMG Guidelines, 2015. Collection method: clinical testing. Allele origin: germline.
Comment: The POU1F1 c.84T>A variant is predicted to result in the amino acid substitution p.His28Gln. To our knowledge, this variant has not been reported in the literature. This variant is reported in 0.0018% of alleles in individuals of European (Non-Finnish) descent in gnomAD. At this time, the clinical significance of this variant is uncertain due to the absence of conclusive functional and genetic evidence.

NM_000306.4(POU1F1):c.84T>A (p.His28Gln)

Gene: POU1F1 (POU class 1 homeobox 1; minus strand). Cytogenetic location: 3p11.2.
Variant type: single nucleotide variant.
Coding change: c.84T>A on transcript NM_000306.4 (MANE Select); coding-DNA position 84, T replaced by A.
Protein change: p.His28Gln; replaces histidine 28 with glutamine.
Molecular consequence: missense variant.
Genome position (GRCh38, 1-based): chr3:87,276,379, A>T on the plus strand (T>A on the coding strand, the complement: POU1F1 is on the minus strand). VCF-style: chr3-87276379-A-T. GRCh37 (hg19) VCF-style: chr3-87325529-A-T.
Other names: c.84T>A, p.His28Gln (NM_001122757.3); short protein forms H28Q.
Identifiers: ClinVar variation 2631845 (VCV002631845.1), dbSNP rs755914583, ClinGen allele CA2501314.